The following is an entry in ClinVar:

NM_000038.6(APC):c.7948G>C (p.Ala2650Pro)

Gene: APC (APC regulator of Wnt signaling pathway; plus strand). Cytogenetic location: 5q22.2.
Variant type: single nucleotide variant.
Coding change: c.7948G>C on transcript NM_000038.6 (MANE Select); coding-DNA position 7948, G replaced by C.
Protein change: p.Ala2650Pro; replaces alanine 2650 with proline.
Molecular consequence: missense variant. On other transcripts: non-coding transcript variant (2).
Genome position (GRCh38, 1-based): chr5:112,843,542, G>C. VCF-style: chr5-112843542-G-C. GRCh37 (hg19) VCF-style: chr5-112179239-G-C.
Other names: c.7948G>C, p.Ala2650Pro (NM_001127510.3, NM_001354895.2, NM_001407450.1); c.7894G>C, p.Ala2632Pro (NM_001127511.3); c.8002G>C, p.Ala2668Pro (NM_001354896.2, NM_001407447.1, NM_001407448.1 and 1 more transcripts); c.7978G>C, p.Ala2660Pro (NM_001354897.2); c.7873G>C, p.Ala2625Pro (NM_001354898.2); c.7864G>C, p.Ala2622Pro (NM_001354899.2); c.7825G>C, p.Ala2609Pro (NM_001354900.2); c.7771G>C, p.Ala2591Pro (NM_001354901.2, NM_001407453.1); and 11 more; short protein forms A2521P, A2567P, A2625P, A2643P, A2668P, A2678P, A2490P, A2609P.
Identifiers: ClinVar variation 3882715 (VCV003882715.1).
Genomic context (GRCh38, chr5:112,843,542, plus strand): 5'-GTTTCCTCAGGTGCTACAAATGGTGCTGAATCAAAGACTCTAATTTATCAAATGGCACCT[G>C]CTGTTTCTAAAACAGAGGATGTTTGGGTGAGAATTGAGGACTGTCCCATTAACAATCCTA-3'
Protein context (NP_000029.2, residues 2640-2660): SKTLIYQMAP[Ala2650Pro]VSKTEDVWVR

ClinVar aggregate classification (germline): Uncertain significance (1 of 4 stars; one submission).

Conditions:
Hereditary cancer-predisposing syndrome. Also called: Tumor predisposition; Neoplastic Syndromes, Hereditary; Hereditary Cancer Syndrome; Hereditary neoplastic syndrome. Identifiers: Orphanet 140162, MedGen C0027672, MeSH D009386, MONDO:0015356.

Submission:

Ambry Genetics
Classification: Uncertain significance for Hereditary cancer-predisposing syndrome. Last evaluated: 2025-03-05. Review status: criteria provided, single submitter. Criteria: Ambry Variant Classification Scheme 2023. Collection method: clinical testing. Allele origin: germline.
Comment: The p.A2650P variant (also known as c.7948G>C), located in coding exon 15 of the APC gene, results from a G to C substitution at nucleotide position 7948. The alanine at codon 2650 is replaced by proline, an amino acid with highly similar properties. This amino acid position is conserved. In addition, in silico predictors for this gene do not accurately predict pathogenicity. Based on the available evidence, the clinical significance of this variant remains unclear.